The following is an entry in ClinVar:

ClinVar aggregate classification (germline): Pathogenic. Review status: reviewed by expert panel (3 of 4 stars). 13 submissions from 12 submitters: Pathogenic (1). 12 of the submissions do not count toward it. Last evaluated 2017-03-17.

Conditions:
CFTR-related disorder (CFTR-RD). Also called: CFTR-related condition; CFTR-related disorders. Identifiers: MedGen C5924204, MONDO:7770004.
Congenital bilateral aplasia of vas deferens from CFTR mutation (CBAVD). Identifiers: Orphanet 48, MedGen C0403814, MONDO:0010178, OMIM 277180. Disease mechanism: loss of function.
Cystic fibrosis (CF). Also called: MUCOVISCIDOSIS. Identifiers: Orphanet 586, MedGen C0010674, MONDO:0009061, OMIM 219700. Disease mechanism: loss of function.
Bronchiectasis with or without elevated sweat chloride 1 (BESC1). Also called: Cystic Fibrosis-Like Syndrome. Identifiers: Orphanet 60033, MedGen C2749757, MONDO:0008887, OMIM 211400.
Hereditary pancreatitis (PCTT). Also called: PRSS1-Related Hereditary Pancreatitis; Hereditary chronic pancreatitis. Identifiers: Orphanet 676, MedGen C0238339, MONDO:0008185, OMIM 167800.

Allele frequency attached by ClinVar (database versions not stated): ExAC 0.00001; gnomAD exomes below 0.00001.
gnomAD v4.1: 18 of 1,614,106 alleles (0.0011%); highest among the groups gnomAD compares: East Asian, 0.0022%; no homozygotes.

Submissions (13):

CFTR2
Classification: Pathogenic for Cystic fibrosis. Last evaluated: 2017-03-17. Review status: reviewed by expert panel. Criteria: Sosnay PR et al. (Nat Genet 2013). Collection method: research. Allele origin: germline. Affected: yes. Study: CFTR2.

Labcorp Genetics (formerly Invitae), Labcorp
Classification: Pathogenic for Cystic fibrosis. Last evaluated: 2025-10-18. Review status: criteria provided, single submitter. Criteria: Invitae Variant Classification Sherloc (09022015). Collection method: clinical testing. Allele origin: germline. Not counted in ClinVar's aggregate classification.
Comment: This sequence change creates a premature translational stop signal (p.Gln220*) in the CFTR gene. It is expected to result in an absent or disrupted protein product. Loss-of-function variants in CFTR are known to be pathogenic (PMID: 1695717, 7691345, 9725922). This variant is present in population databases (rs397508778, gnomAD 0.0009%). This premature translational stop signal has been observed in individual(s) with clinical features of cystic fibrosis (PMID: 7515303, 16778407). In at least one individual the data is consistent with being in trans (on the opposite chromosome) from a pathogenic variant. ClinVar contains an entry for this variant (Variation ID: 54036). For these reasons, this variant has been classified as Pathogenic.

Natera, Inc.
Classification: Pathogenic for CFTR-related disorders. Last evaluated: 2025-10-16. Review status: criteria provided, single submitter. Criteria: Natera Variant Classification Schema (03/2026). Collection method: clinical testing. Allele origin: germline. Not counted in ClinVar's aggregate classification.
Comment: The c.658C>T variant in CFTR is a nonsense variant predicted to introduce a stop codon at amino acid 220. This variant is expected to result in nonsense mediated decay, truncation, or a dysfunctional protein product. This variant is rare in the general population with a frequency below the threshold expected for the associated phenotype(s). This variant has been observed in one or more individuals affected with the associated recessive disease, as either homozygous or compound heterozygous with a second variant (PMID: 16778407). Given the available evidence, this variant is classified as Pathogenic.

Ambry Genetics
Classification: Pathogenic for Cystic fibrosis. Last evaluated: 2025-09-28. Review status: criteria provided, single submitter. Criteria: Ambry Variant Classification Scheme 2023. Collection method: clinical testing. Allele origin: germline. Not counted in ClinVar's aggregate classification.
Comment: The p.Q220* pathogenic mutation (also known as c.658C>T), located in coding exon 6 of the CFTR gene, results from a C to T substitution at nucleotide position 658. This changes the amino acid from a glutamine to a stop codon within coding exon 6. This mutation was described in trans with a second pathogenic mutation in an individual presenting with respiratory symptoms, bronchiectasis, and elevated sweat chloride levels (Koh WJ et al. J Korean Med Sci. 2006;21(3):563-6). In addition to pulmonary symptoms and elevated sweat chloride levels, this mutation is also associated with pancreatic insufficiency (Sosnay PR et al. Nat Genet. 2013;45(10):1160-7). In addition to the clinical data presented in the literature, this alteration is expected to result in loss of function by premature protein truncation or nonsense-mediated mRNA decay. As such, this alteration is interpreted as a disease-causing mutation.

Baylor Genetics
Classification: Pathogenic for Bronchiectasis with or without elevated sweat chloride 1. Last evaluated: 2024-02-22. Review status: criteria provided, single submitter. Criteria: ACMG Guidelines, 2015. Collection method: clinical testing. Allele origin: unknown. Not counted in ClinVar's aggregate classification.

Johns Hopkins Genomics, Johns Hopkins University
Classification: Pathogenic for Cystic fibrosis. Last evaluated: 2023-07-26. Review status: criteria provided, single submitter. Criteria: ACMG Guidelines, 2015. Collection method: clinical testing. Allele origin: germline. Not counted in ClinVar's aggregate classification.
Comment: Disease-causing CFTR variant. See CFTR2 for phenotype information.

Institute of Human Genetics, University of Leipzig Medical Center
Classification: Pathogenic for Cystic fibrosis. Last evaluated: 2022-09-05. Review status: criteria provided, single submitter. Criteria: ACMG Guidelines, 2015. Collection method: curation. Allele origin: unknown. Affected: yes. Observed: 1 variant allele. Not counted in ClinVar's aggregate classification.
Comment: The variant was classified in the context of a project re-classifying variants in the German Cystic Fibrosis Registry (Muko.e.V.). Criteria applied: PVS1, PM2_SUP, PM3_VSTR, PP4

Women's Health and Genetics/Laboratory Corporation of America, LabCorp
Classification: Pathogenic for Cystic fibrosis. Last evaluated: 2019-05-28. Review status: criteria provided, single submitter. Criteria: LabCorp Variant Classification Summary - May 2015. Collection method: clinical testing. Allele origin: germline. Not counted in ClinVar's aggregate classification.
Comment: Variant summary: CFTR c.658C>T (p.Gln220X) results in a premature termination codon, predicted to cause a truncation of the encoded protein or absence of the protein due to nonsense mediated decay, which are commonly known mechanisms for disease. Truncations downstream of this position have been classified as pathogenic by our laboratory (c.803delA, p.Asn268fsX17; c.850dupA, p.Met284fsX3; c.948delT, p.Phe316LeufsX12). The variant allele was found at a frequency of 4e-06 in 251438 control chromosomes (gnomAD). The variant, c.658C>T, has been reported in the literature in multiple individuals affected with Cystic Fibrosis (Koh_2006, Tomaiuolo_2010, Ooi_2012, Sosonay_2013). These data indicate that the variant is very likely to be associated with disease. To our knowledge, no experimental evidence demonstrating an impact on protein function has been reported. One publication, Sosnay_2013, reports that spliced RNA product is less than 10% of WT level predicted by NMD (nonsense mediated decay). Three ClinVar submissions including one expert panel (CFTR2) cite the variant as pathogenic. Based on the evidence outlined above, the variant was classified as pathogenic.

Mendelics
Classification: Pathogenic for Cystic fibrosis. Last evaluated: 2018-11-05. Review status: criteria provided, single submitter. Criteria: Mendelics Assertion Criteria 2017. Collection method: clinical testing. Allele origin: unknown. Affected: yes. Not counted in ClinVar's aggregate classification.

Fulgent Genetics
Classification: Pathogenic for Hereditary pancreatitis; Bronchiectasis with or without elevated sweat chloride 1; Cystic fibrosis; Congenital bilateral aplasia of vas deferens from CFTR mutation. Last evaluated: 2018-10-31. Review status: criteria provided, single submitter. Criteria: ACMG Guidelines, 2015. Collection method: clinical testing. Allele origin: unknown. Not counted in ClinVar's aggregate classification.

CFTR-France
Classification: Pathogenic for cystic fibrosis. Last evaluated: 2018-01-29. Review status: criteria provided, single submitter. Criteria: Claustres M et al. (Hum Mutat 2017). Collection method: curation. Allele origin: germline. Affected: yes. Not counted in ClinVar's aggregate classification.

Baylor Genetics
Classification: Pathogenic for Congenital bilateral aplasia of vas deferens from CFTR mutation; Cystic fibrosis. Review status: criteria provided, single submitter. Criteria: ACMG Guidelines, 2015. Collection method: clinical testing. Allele origin: germline. Not counted in ClinVar's aggregate classification.

Counsyl
Classification: Pathogenic for Cystic fibrosis. Last evaluated: 2014-01-02. Review status: no assertion criteria provided. Collection method: clinical testing. Allele origin: unknown. Not counted in ClinVar's aggregate classification.

Literature cited by the submitters: PubMed 1695717 (cited by Labcorp Genetics (formerly Invitae), Labcorp); PubMed 7691345 (cited by Labcorp Genetics (formerly Invitae), Labcorp); PubMed 9725922 (cited by Labcorp Genetics (formerly Invitae), Labcorp); PubMed 7515303 (cited by Labcorp Genetics (formerly Invitae), Labcorp and Counsyl); PubMed 16778407 (cited by 5 submitters); PubMed 23974870 (cited by Ambry Genetics and Women's Health and Genetics/Laboratory Corporation of America, LabCorp); PubMed 20691141 (cited by Women's Health and Genetics/Laboratory Corporation of America, LabCorp); PubMed 22658665 (cited by Women's Health and Genetics/Laboratory Corporation of America, LabCorp).

NM_000492.4(CFTR):c.658C>T (p.Gln220Ter)

Gene: CFTR (CF transmembrane conductance regulator; plus strand). Cytogenetic location: 7q31.2.
Variant type: single nucleotide variant.
Coding change: c.658C>T on transcript NM_000492.4 (MANE Select); coding-DNA position 658, C replaced by T.
Protein change: p.Gln220Ter; replaces glutamine 220 with a stop codon.
Molecular consequence: nonsense.
Genome position (GRCh38, 1-based): chr7:117,535,326, C>T. VCF-style: chr7-117535326-C-T. GRCh37 (hg19) VCF-style: chr7-117175380-C-T.
Other names: short protein forms Q220*.
Identifiers: ClinVar variation 54036 (VCV000054036.23), dbSNP rs397508778, ClinGen allele CA328131.